The following is an entry in ClinVar:

NM_006208.3(ENPP1):c.229G>A (p.Val77Ile)

Gene: ENPP1 (ectonucleotide pyrophosphatase/phosphodiesterase 1; plus strand). Cytogenetic location: 6q23.2.
Variant type: single nucleotide variant.
Coding change: c.229G>A on transcript NM_006208.3 (MANE Select); coding-DNA position 229, G replaced by A.
Protein change: p.Val77Ile; replaces valine 77 with isoleucine.
Molecular consequence: missense variant.
Genome position (GRCh38, 1-based): chr6:131,808,264, G>A. VCF-style: chr6-131808264-G-A. GRCh37 (hg19) VCF-style: chr6-132129404-G-A.
Other names: short protein forms V77I.
Identifiers: ClinVar variation 1936777 (VCV001936777.2), dbSNP rs1781305588, ClinGen allele CA365662475.

ClinVar aggregate classification (germline): Uncertain significance (1 of 4 stars; one submission).

Allele frequency attached by ClinVar (database versions not stated): TOPMed 0.00001.
gnomAD v4.1: 1 of 1,512,876 alleles (0.000066%); no homozygotes.

Submission:

Labcorp Genetics (formerly Invitae), Labcorp
Classification: Uncertain significance. Last evaluated: 2022-05-15. Review status: criteria provided, single submitter. Criteria: Invitae Variant Classification Sherloc (09022015). Collection method: clinical testing. Allele origin: germline.
Comment: This sequence change replaces valine, which is neutral and non-polar, with isoleucine, which is neutral and non-polar, at codon 77 of the ENPP1 protein (p.Val77Ile). This variant is not present in population databases (gnomAD no frequency). This variant has not been reported in the literature in individuals affected with ENPP1-related conditions. Algorithms developed to predict the effect of missense changes on protein structure and function are either unavailable or do not agree on the potential impact of this missense change (SIFT: "Tolerated"; PolyPhen-2: "Probably Damaging"; Align-GVGD: "Class C0"). In summary, the available evidence is currently insufficient to determine the role of this variant in disease. Therefore, it has been classified as a Variant of Uncertain Significance.